The following is an entry in ClinVar:

ClinVar aggregate classification (germline): Uncertain significance. Review status: criteria provided, multiple submitters, no conflicts (2 of 4 stars). 2 submissions from 2 submitters: Uncertain significance (2). Last evaluated 2023-03-31.

Conditions:
Inborn genetic diseases. Identifiers: MedGen C0950123, MeSH D030342.
Nephronophthisis 15 (NPHP15). Identifiers: Orphanet 3156, MedGen C3541853, MONDO:0013917, OMIM 614845.

Submissions (2):

Labcorp Genetics (formerly Invitae), Labcorp
Classification: Uncertain significance for Nephronophthisis 15. Last evaluated: 2023-03-31. Review status: criteria provided, single submitter. Criteria: Invitae Variant Classification Sherloc (09022015). Collection method: clinical testing. Allele origin: germline.
Comment: Advanced modeling of protein sequence and biophysical properties (such as structural, functional, and spatial information, amino acid conservation, physicochemical variation, residue mobility, and thermodynamic stability) performed at Invitae indicates that this missense variant is not expected to disrupt CEP164 protein function. This sequence change replaces threonine, which is neutral and polar, with alanine, which is neutral and non-polar, at codon 1441 of the CEP164 protein (p.Thr1441Ala). This variant is not present in population databases (gnomAD no frequency). This variant has not been reported in the literature in individuals affected with CEP164-related conditions. In summary, the available evidence is currently insufficient to determine the role of this variant in disease. Therefore, it has been classified as a Variant of Uncertain Significance.

Ambry Genetics
Classification: Uncertain significance for Inborn genetic diseases. Last evaluated: 2023-01-23. Review status: criteria provided, single submitter. Criteria: Ambry Variant Classification Scheme 2023. Collection method: clinical testing. Allele origin: germline.

NM_014956.5(CEP164):c.4321A>G (p.Thr1441Ala)

Gene: CEP164 (centrosomal protein 164; plus strand). Cytogenetic location: 11q23.3.
Variant type: single nucleotide variant.
Coding change: c.4321A>G on transcript NM_014956.5 (MANE Select); coding-DNA position 4321, A replaced by G.
Protein change: p.Thr1441Ala; replaces threonine 1441 with alanine.
Molecular consequence: missense variant.
Genome position (GRCh38, 1-based): chr11:117,412,106, A>G. VCF-style: chr11-117412106-A-G. GRCh37 (hg19) VCF-style: chr11-117282822-A-G.
Other names: c.4306A>G, p.Thr1436Ala (NM_001271933.2); short protein forms T1436A, T1441A.
Identifiers: ClinVar variation 2477964 (VCV002477964.5), dbSNP rs2542893155, ClinGen allele CA382746455.